The following is an entry in ClinVar:

NM_001035.3(RYR2):c.6793-4G>T

Gene: RYR2 (ryanodine receptor 2; plus strand). Cytogenetic location: 1q43.
Variant type: single nucleotide variant.
Coding change: c.6793-4G>T on transcript NM_001035.3 (MANE Select); 4 bases into the intron before coding-DNA position 6793, G replaced by T.
Molecular consequence: intron variant.
Genome position (GRCh38, 1-based): chr1:237,638,353, G>T. VCF-style: chr1-237638353-G-T. GRCh37 (hg19) VCF-style: chr1-237801653-G-T.
Other names: c.6793-4G>T (LRG_402t1).
Identifiers: ClinVar variation 180496 (VCV000180496.8), dbSNP rs568936247, ClinGen allele CA010329.

ClinVar aggregate classification (germline): Conflicting classifications of pathogenicity. Review status: criteria provided, conflicting classifications (1 of 4 stars). 4 submissions from 4 submitters: Uncertain significance (3); Likely benign (1). Last evaluated 2023-06-28.

Conditions:
Cardiovascular phenotype. Identifiers: MedGen CN230736.
Cardiomyopathy (CMYO). Also called: Cardiomyopathies. Identifiers: Orphanet 167848, MedGen C0878544, MONDO:0004994, HP:0001638. Inheritance: Various modes of inheritance.

gnomAD v4.1: 10 of 1,613,720 alleles (0.00062%); highest among the groups gnomAD compares: East Asian, 0.0022%; no homozygotes.

Submissions (4):

Ambry Genetics
Classification: Uncertain significance for Cardiovascular phenotype. Last evaluated: 2023-06-28. Review status: criteria provided, single submitter. Criteria: Ambry Variant Classification Scheme 2023. Collection method: clinical testing. Allele origin: germline.
Comment: The c.6793-4G>T intronic variant results from a G to T substitution 4 nucleotides upstream from coding exon 45 in the RYR2 gene. This nucleotide position is not well conserved in available vertebrate species. In silico splice site analysis for this alteration is inconclusive. Since supporting evidence is limited at this time, the clinical significance of this alteration remains unclear.

Women's Health and Genetics/Laboratory Corporation of America, LabCorp
Classification: Uncertain significance. Last evaluated: 2023-06-18. Review status: criteria provided, single submitter. Criteria: LabCorp Variant Classification Summary - May 2015. Collection method: clinical testing. Allele origin: germline.

Blueprint Genetics
Classification: Likely benign. Last evaluated: 2022-09-06. Review status: criteria provided, single submitter. Criteria: ACMG Guidelines, 2015. Collection method: clinical testing. Allele origin: germline.

Color Diagnostics, LLC DBA Color Health
Classification: Uncertain significance for Cardiomyopathy. Last evaluated: 2019-07-20. Review status: criteria provided, single submitter. Criteria: ACMG Guidelines, 2015. Collection method: clinical testing. Allele origin: germline.
Comment: This variant is located in intron 44 of the RYR2 gene. Computational splicing tools and conservation analyses are inconclusive regarding the impact of this variant on RNA splicing. To our knowledge, functional assays have not been performed for this variant nor has this variant been reported in individuals affected with cardiovascular disorders in the literature. This variant has been identified in 5/280480 chromosomes in the general population by the Genome Aggregation Database (gnomAD). Available evidence is insufficient to determine the role of this variant in disease conclusively. Therefore, this variant is classified as a Variant of Uncertain Significance.